The following is an entry in ClinVar:

ClinVar aggregate classification (germline): Likely benign (0 of 4 stars; one submission).

Conditions:
NALCN-related disorder. Also called: NALCN-related disorders; NALCN-related condition.

Submission:

PreventionGenetics, part of Exact Sciences
Classification: Likely benign for NALCN-related condition. Last evaluated: 2024-08-10. Review status: no assertion criteria provided. Collection method: clinical testing. Allele origin: germline.
Comment: This variant is classified as likely benign based on ACMG/AMP sequence variant interpretation guidelines (Richards et al. 2015 PMID: 25741868, with internal and published modifications).

NM_052867.4(NALCN):c.2055T>C (p.Ser685=)

Gene: NALCN (sodium leak channel, non-selective; minus strand). Cytogenetic location: 13q33.1.
Variant type: single nucleotide variant.
Coding change: c.2055T>C on transcript NM_052867.4 (MANE Select); coding-DNA position 2055, T replaced by C.
Protein change: p.Ser685=; no amino-acid change (serine 685 retained).
Molecular consequence: synonymous variant.
Genome position (GRCh38, 1-based): chr13:101,143,143, A>G on the plus strand (T>C on the coding strand, the complement: NALCN is on the minus strand). VCF-style: chr13-101143143-A-G. GRCh37 (hg19) VCF-style: chr13-101795494-A-G.
Other names: c.2055T>C, p.Ser685= (NM_001350748.2, NM_001350749.2); c.1968T>C, p.Ser656= (NM_001350750.2, NM_001350751.2).
Identifiers: ClinVar variation 3353007 (VCV003353007.1).
Genomic context (GRCh38, chr13:101,143,143, plus strand): 5'-TTGGTCGATGTATTTGTTGTCCTCAATTGCTGAGCGTTTGGAGTGGTCGCAGGAGGAGGA[A>G]GAGGTGGTCGGGAGGCTTCTCAGGAGGCAACATGTGTCCTGTTGCTGGCGGTCAATAAAC-3'
Protein context (NP_443099.1, residues 675-695): CCLLRSLPTT[Ser685=]SSSCDHSKRS